The following is an entry in ClinVar:

NM_170606.3(KMT2C):c.14344-1G>A

Gene: KMT2C (lysine methyltransferase 2C; minus strand). Cytogenetic location: 7q36.1.
Variant type: single nucleotide variant.
Coding change: c.14344-1G>A on transcript NM_170606.3 (MANE Select); the canonical splice acceptor site of the intron before coding-DNA position 14344, G replaced by A.
Molecular consequence: splice acceptor variant.
Genome position (GRCh38, 1-based): chr7:152,139,792, C>T on the plus strand (G>A on the coding strand, the complement: KMT2C is on the minus strand). VCF-style: chr7-152139792-C-T. GRCh37 (hg19) VCF-style: chr7-151836877-C-T.
Identifiers: ClinVar variation 372947 (VCV000372947.5), dbSNP rs1057518093, ClinGen allele CA16042700.

ClinVar aggregate classification (germline): Pathogenic/Likely pathogenic. Review status: criteria provided, multiple submitters, no conflicts (2 of 4 stars). 3 submissions from 3 submitters: Pathogenic (1); Likely pathogenic (2). Last evaluated 2023-02-16.

Conditions:
KMT2C-related NDD.

Submissions (3):

Labcorp Genetics (formerly Invitae), Labcorp
Classification: Likely pathogenic. Last evaluated: 2023-02-16. Review status: criteria provided, single submitter. Criteria: Invitae Variant Classification Sherloc (09022015). Collection method: clinical testing. Allele origin: germline.
Comment: This sequence change affects an acceptor splice site in intron 55 of the KMT2C gene. It is expected to disrupt RNA splicing. Variants that disrupt the donor or acceptor splice site typically lead to a loss of protein function (PMID: 16199547), and loss-of-function variants in KMT2C are known to be pathogenic (PMID: 29069077). This variant is not present in population databases (gnomAD no frequency). This variant has not been reported in the literature in individuals affected with KMT2C-related conditions. ClinVar contains an entry for this variant (Variation ID: 372947). Algorithms developed to predict the effect of sequence changes on RNA splicing suggest that this variant may disrupt the consensus splice site. In summary, the currently available evidence indicates that the variant is pathogenic, but additional data are needed to prove that conclusively. Therefore, this variant has been classified as Likely Pathogenic.

GeneDx
Classification: Likely pathogenic. Last evaluated: 2016-06-09. Review status: criteria provided, single submitter. Criteria: GeneDx Variant Classification (06012015). Collection method: clinical testing. Allele origin: germline. Affected: yes.
Comment: The c.14344-1G>A variant in the KMT2C gene has not been reported previously as a pathogenic variant nor as a benign variant, to our knowledge. This splice site variant destroys the canonical splice acceptor site in intron 55. It is predicted to cause abnormal gene splicing resulting in an in-frame protein product with an abnormal message. However, in the absence of RNA/functional studies, the actual effect of c.14344-1G>A is unknown. The c.14344-1G>A variant was not observed in approximately 6500 individuals of European and African American ancestry in the NHLBI Exome Sequencing Project, indicating it is not a common benign variant in these populations. The c.14344-1G>A variant is a strong candidate for a pathogenic variant, however the possibility it may be a rare benign variant cannot be excluded.

Laboratory of Genetics, Children's Clinical University Hospital Latvia
Classification: Pathogenic for KMT2C-related NDD. Review status: criteria provided, single submitter. Criteria: ACMG Guidelines, 2015. Collection method: research. Allele origin: de novo. Affected: yes.

Literature cited by the submitters: PubMed 16199547 (cited by Labcorp Genetics (formerly Invitae), Labcorp); PubMed 29069077 (cited by Labcorp Genetics (formerly Invitae), Labcorp); PubMed 39013459 (cited by Laboratory of Genetics, Children's Clinical University Hospital Latvia).